The following is an entry in ClinVar:

ClinVar aggregate classification (germline): Uncertain significance (1 of 4 stars; one submission).

gnomAD v4.1: 1 of 1,557,192 alleles (0.000064%); highest among the groups gnomAD compares: East Asian, 0.0024%; no homozygotes.

Submission:

Labcorp Genetics (formerly Invitae), Labcorp
Classification: Uncertain significance. Last evaluated: 2024-08-24. Review status: criteria provided, single submitter. Criteria: Invitae Variant Classification Sherloc (09022015). Collection method: clinical testing. Allele origin: germline.
Comment: This sequence change replaces histidine, which is basic and polar, with proline, which is neutral and non-polar, at codon 1248 of the RIMS1 protein (p.His1248Pro). This variant is not present in population databases (gnomAD no frequency). This variant has not been reported in the literature in individuals affected with RIMS1-related conditions. An algorithm developed to predict the effect of missense changes on protein structure and function (PolyPhen-2) suggests that this variant is likely to be disruptive. In summary, the available evidence is currently insufficient to determine the role of this variant in disease. Therefore, it has been classified as a Variant of Uncertain Significance.

NM_014989.7(RIMS1):c.3743A>C (p.His1248Pro)

Gene: RIMS1 (regulating synaptic membrane exocytosis 1; plus strand). Cytogenetic location: 6q13.
Variant type: single nucleotide variant.
Coding change: c.3743A>C on transcript NM_014989.7 (MANE Select); coding-DNA position 3743, A replaced by C.
Protein change: p.His1248Pro; replaces histidine 1248 with proline.
Molecular consequence: missense variant.
Genome position (GRCh38, 1-based): chr6:72,291,939, A>C. VCF-style: chr6-72291939-A-C. GRCh37 (hg19) VCF-style: chr6-73001642-A-C.
Other names: c.1703A>C, p.His568Pro (NM_001168407.2, NM_001350422.2); c.1634A>C, p.His545Pro (NM_001168408.2, NM_001350414.2, NM_001350430.2 and 2 more transcripts); c.1463A>C, p.His488Pro (NM_001168409.2, NM_001350469.2); c.1661A>C, p.His554Pro (NM_001168410.2); c.1787A>C, p.His596Pro (NM_001350415.2, NM_001350445.2); c.1553A>C, p.His518Pro (NM_001350426.2, NM_001350460.2); c.1631A>C, p.His544Pro (NM_001350427.2, NM_001350425.2, NM_001350441.2 and 1 more transcripts); c.1637A>C, p.His546Pro (NM_001350428.2); and 31 more; short protein forms H479P, H487P, H546P, H556P, H570P, H571P, H596P, H606P.
Identifiers: ClinVar variation 3663378 (VCV003663378.2).